The following is an entry in ClinVar:

NM_001386140.1(MTTP):c.731A>C (p.Gln244Pro)

Gene: MTTP (microsomal triglyceride transfer protein; plus strand). Cytogenetic location: 4q23.
Variant type: single nucleotide variant.
Coding change: c.731A>C on transcript NM_001386140.1 (MANE Select); coding-DNA position 731, A replaced by C.
Protein change: p.Gln244Pro; replaces glutamine 244 with proline.
Molecular consequence: missense variant.
Genome position (GRCh38, 1-based): chr4:99,591,763, A>C. VCF-style: chr4-99591763-A-C. GRCh37 (hg19) VCF-style: chr4-100512920-A-C.
Other names: c.731A>C, p.Gln244Pro (NM_000253.4); c.482A>C, p.Gln161Pro (NM_001300785.2); short protein forms Q244P, Q161P.
Identifiers: ClinVar variation 1523166 (VCV001523166.5), dbSNP rs1177276768, ClinGen allele CA357505490.

ClinVar aggregate classification (germline): Uncertain significance (1 of 4 stars; one submission).

Allele frequency attached by ClinVar (database versions not stated): gnomAD 0.00001; TOPMed 0.00001.
gnomAD v4.1: 1 of 1,612,910 alleles (0.000062%); highest among the groups gnomAD compares: African/African-American, 0.0013%; no homozygotes.

Submission:

Labcorp Genetics (formerly Invitae), Labcorp
Classification: Uncertain significance. Last evaluated: 2022-10-05. Review status: criteria provided, single submitter. Criteria: Invitae Variant Classification Sherloc (09022015). Collection method: clinical testing. Allele origin: germline.
Comment: This sequence change replaces glutamine, which is neutral and polar, with proline, which is neutral and non-polar, at codon 244 of the MTTP protein (p.Gln244Pro). This variant is not present in population databases (gnomAD no frequency). This variant has not been reported in the literature in individuals affected with MTTP-related conditions. ClinVar contains an entry for this variant (Variation ID: 1523166). Advanced modeling of protein sequence and biophysical properties (such as structural, functional, and spatial information, amino acid conservation, physicochemical variation, residue mobility, and thermodynamic stability) performed at Invitae indicates that this missense variant is not expected to disrupt MTTP protein function. In summary, the available evidence is currently insufficient to determine the role of this variant in disease. Therefore, it has been classified as a Variant of Uncertain Significance.